The following is an entry in ClinVar:

ClinVar aggregate classification (germline): Likely benign. Review status: criteria provided, multiple submitters, no conflicts (2 of 4 stars). 2 submissions from 2 submitters: Likely benign (2). Last evaluated 2026-06-22.

Conditions:
BNC2-related disorder. Also called: BNC2-related condition.

Allele frequency attached by ClinVar (database versions not stated): ExAC 0.00007; gnomAD exomes 0.00007; ESP Exome Variant Server 0.00008; TOPMed 0.00009; gnomAD 0.00011.
gnomAD v4.1: 124 of 1,614,096 alleles (0.0077%); highest among the groups gnomAD compares: Middle Eastern, 0.033%; no homozygotes.

Submissions (2):

PreventionGenetics, part of Exact Sciences
Classification: Likely benign for BNC2-related condition. Last evaluated: 2026-06-22. Review status: criteria provided, single submitter. Criteria: ACMG Guidelines, 2015. Collection method: clinical testing. Allele origin: germline.
Comment: This variant is classified as likely benign based on ACMG/AMP sequence variant interpretation guidelines (Richards et al. 2015 PMID: 25741868, with internal and published modifications).

Labcorp Genetics (formerly Invitae), Labcorp
Classification: Likely benign. Last evaluated: 2025-08-21. Review status: criteria provided, single submitter. Criteria: Invitae Variant Classification Sherloc (09022015). Collection method: clinical testing. Allele origin: germline.

NM_017637.6(BNC2):c.591G>A (p.Leu197=)

Gene: BNC2 (basonuclin zinc finger protein 2; minus strand). Cytogenetic location: 9p22.3.
Variant type: single nucleotide variant.
Coding change: c.591G>A on transcript NM_017637.6 (MANE Select); coding-DNA position 591, G replaced by A.
Protein change: p.Leu197=; no amino-acid change (leucine 197 retained).
Molecular consequence: synonymous variant.
Genome position (GRCh38, 1-based): chr9:16,552,608, C>T on the plus strand (G>A on the coding strand, the complement: BNC2 is on the minus strand). VCF-style: chr9-16552608-C-T. GRCh37 (hg19) VCF-style: chr9-16552606-C-T.
Other names: c.465G>A, p.Leu155= (NM_001317939.2); c.306G>A, p.Leu102= (NM_001317940.2).
Identifiers: ClinVar variation 2163142 (VCV002163142.5), dbSNP rs375045887, ClinGen allele CA4996224.
Genomic context (GRCh38, chr9:16,552,608, plus strand): 5'-GACATAGTCCCGCAGAGTCCAGCCAAGGCCGTGCAGTATGTGCAGTACCTCCTCTTGCTT[C>T]AGGACGCTGAAGAGACGGTCCAGCAGGATCTTTAGCCGCACAGGCACTGCTTGTGTCCCA-3'
Protein context (NP_060107.3, residues 187-207): KILLDRLFSV[Leu197=]KQEEVLHILH